The following is an entry in ClinVar:

ClinVar aggregate classification (germline): Uncertain significance (1 of 4 stars; one submission).

Allele frequency attached by ClinVar (database versions not stated): gnomAD exomes below 0.00001.
gnomAD v4.1: 1 of 1,554,152 alleles (0.000064%); highest among the groups gnomAD compares: East Asian, 0.0023%; no homozygotes.

Submission:

Labcorp Genetics (formerly Invitae), Labcorp
Classification: Uncertain significance. Last evaluated: 2022-07-30. Review status: criteria provided, single submitter. Criteria: Invitae Variant Classification Sherloc (09022015). Collection method: clinical testing. Allele origin: germline.
Comment: This sequence change replaces proline, which is neutral and non-polar, with leucine, which is neutral and non-polar, at codon 1653 of the KAT6A protein (p.Pro1653Leu). This variant is not present in population databases (gnomAD no frequency). This variant has not been reported in the literature in individuals affected with KAT6A-related conditions. Algorithms developed to predict the effect of missense changes on protein structure and function are either unavailable or do not agree on the potential impact of this missense change (SIFT: "Tolerated"; PolyPhen-2: "Not Available"; Align-GVGD: "Class C0"). In summary, the available evidence is currently insufficient to determine the role of this variant in disease. Therefore, it has been classified as a Variant of Uncertain Significance.

NM_006766.5(KAT6A):c.4958C>T (p.Pro1653Leu)

Gene: KAT6A (lysine acetyltransferase 6A; minus strand). Cytogenetic location: 8p11.21.
Variant type: single nucleotide variant.
Coding change: c.4958C>T on transcript NM_006766.5 (MANE Select); coding-DNA position 4958, C replaced by T.
Protein change: p.Pro1653Leu; replaces proline 1653 with leucine.
Molecular consequence: missense variant.
Genome position (GRCh38, 1-based): chr8:41,933,262, G>A on the plus strand (C>T on the coding strand, the complement: KAT6A is on the minus strand). VCF-style: chr8-41933262-G-A. GRCh37 (hg19) VCF-style: chr8-41790780-G-A.
Other names: short protein forms P1653L.
Identifiers: ClinVar variation 1714560 (VCV001714560.5), dbSNP rs2486753191, ClinGen allele CA371064058.